The following is an entry in ClinVar:

NM_005585.5(SMAD6):c.1373C>G (p.Pro458Arg)

Gene: SMAD6 (SMAD family member 6; plus strand). Cytogenetic location: 15q22.31.
Variant type: single nucleotide variant.
Coding change: c.1373C>G on transcript NM_005585.5 (MANE Select); coding-DNA position 1373, C replaced by G.
Protein change: p.Pro458Arg; replaces proline 458 with arginine.
Molecular consequence: missense variant. On other transcripts: non-coding transcript variant (1).
Genome position (GRCh38, 1-based): chr15:66,781,417, C>G. VCF-style: chr15-66781417-C-G. GRCh37 (hg19) VCF-style: chr15-67073755-C-G.
Other names: short protein forms P458R.
Identifiers: ClinVar variation 1391126 (VCV001391126.6), dbSNP rs746188996, ClinGen allele CA272023864.

ClinVar aggregate classification (germline): Uncertain significance (1 of 4 stars; one submission).

Conditions:
Aortic valve disease 2 (AOVD2). Identifiers: MedGen C3542024, MONDO:0013902, OMIM 614823.

gnomAD v4.1: 1 of 1,604,814 alleles (0.000062%); highest among the groups gnomAD compares: Non-Finnish European, 0.000085%; no homozygotes.

Submission:

Labcorp Genetics (formerly Invitae), Labcorp
Classification: Uncertain significance for Aortic valve disease 2. Last evaluated: 2024-07-01. Review status: criteria provided, single submitter. Criteria: Invitae Variant Classification Sherloc (09022015). Collection method: clinical testing. Allele origin: germline.
Comment: This sequence change replaces proline, which is neutral and non-polar, with arginine, which is basic and polar, at codon 458 of the SMAD6 protein (p.Pro458Arg). This variant is not present in population databases (gnomAD no frequency). This variant has not been reported in the literature in individuals affected with SMAD6-related conditions. ClinVar contains an entry for this variant (Variation ID: 1391126). Advanced modeling of protein sequence and biophysical properties (such as structural, functional, and spatial information, amino acid conservation, physicochemical variation, residue mobility, and thermodynamic stability) performed at Invitae indicates that this missense variant is not expected to disrupt SMAD6 protein function with a negative predictive value of 80%. In summary, the available evidence is currently insufficient to determine the role of this variant in disease. Therefore, it has been classified as a Variant of Uncertain Significance.